The following is an entry in ClinVar:

NM_000512.5(GALNS):c.895C>G (p.Gln299Glu)

Gene: GALNS (galactosamine (N-acetyl)-6-sulfatase; minus strand). Cytogenetic location: 16q24.3.
Variant type: single nucleotide variant.
Coding change: c.895C>G on transcript NM_000512.5 (MANE Select); coding-DNA position 895, C replaced by G.
Protein change: p.Gln299Glu; replaces glutamine 299 with glutamic acid.
Molecular consequence: missense variant.
Genome position (GRCh38, 1-based): chr16:88,835,216, G>C on the plus strand (C>G on the coding strand, the complement: GALNS is on the minus strand). VCF-style: chr16-88835216-G-C. GRCh37 (hg19) VCF-style: chr16-88901624-G-C.
Other names: p.Gln299Glu; c.340C>G, p.Gln114Glu (NM_001323543.2); c.913C>G, p.Gln305Glu (NM_001323544.2); short protein forms Q114E, Q299E, Q305E.
Identifiers: ClinVar variation 3380439 (VCV003380439.1).
Genomic context (GRCh38, chr16:88,835,216, plus strand): 5'-CTCTTCGCTGACACGCTGGCTGTGGGGAAACCGTGAGAAGTGACAGCGAGCACTCACCTT[G>C]TTCGGGGGCGGAAATGAGGGCAGCGCCGTTGTCCGACGTGAAGAAGACGAAGGTGTTGTC-3'
Protein context (NP_000503.1, residues 289-309): NGAALISAPE[Gln299Glu]GGSNGPFLCG

ClinVar aggregate classification (germline): Uncertain significance (1 of 4 stars; one submission).

Submission:

Mayo Clinic Laboratories, Mayo Clinic
Classification: Uncertain significance. Last evaluated: 2023-11-22. Review status: criteria provided, single submitter. Criteria: ACMG Guidelines, 2015. Collection method: clinical testing. Allele origin: germline. Observed: 1 variant allele.
Comment: PM2_moderate